The following is an entry in ClinVar:

NM_000092.5(COL4A4):c.827G>C (p.Gly276Ala)

Gene: COL4A4 (collagen type IV alpha 4 chain; minus strand). Cytogenetic location: 2q36.3.
Variant type: single nucleotide variant.
Coding change: c.827G>C on transcript NM_000092.5 (MANE Select); coding-DNA position 827, G replaced by C.
Protein change: p.Gly276Ala; replaces glycine 276 with alanine.
Molecular consequence: missense variant.
Genome position (GRCh38, 1-based): chr2:227,103,187, C>G on the plus strand (G>C on the coding strand, the complement: COL4A4 is on the minus strand). VCF-style: chr2-227103187-C-G. GRCh37 (hg19) VCF-style: chr2-227967903-C-G.
Other names: short protein forms G276A.
Identifiers: ClinVar variation 2720168 (VCV002720168.7), dbSNP rs202242354, ClinGen allele CA2145409.
Genomic context (GRCh38, chr2:227,103,187, plus strand): 5'-GTACTTAAATAAACTACCTTGCGTCCTGGTGGTCCTGGCAGTCCAACCATTCCAGGAATT[C>G]CTTTTATACCCTAAAAATTACAATGAATATAATTTGGTCTATTCTTATTATTTAACATAC-3'
Protein context (NP_000083.3, residues 266-286): CLYKGEKGIK[Gly276Ala]IPGMVGLPGP

ClinVar aggregate classification (germline): Pathogenic/Likely pathogenic. Review status: criteria provided, multiple submitters, no conflicts (2 of 4 stars). 4 submissions from 4 submitters: Pathogenic (2); Likely pathogenic (1). 1 of the submissions does not count toward it. Last evaluated 2025-09-02.

Conditions:
Alport syndrome. Also called: Hemorrhagic familial nephritis; Hemorrhagic hereditary nephritis; Congenital hereditary hematuria. Identifiers: Orphanet 63, MedGen C1567741, MONDO:0018965.
Autosomal recessive Alport syndrome (ATS2). Also called: COL4A4 Alport Syndrome and Thin Basement Membrane Nephropathy; Alport syndrome type 2; COL4A3-Related Nephropathy; ALPORT SYNDROME 2, AUTOSOMAL RECESSIVE. Identifiers: Orphanet 63, Orphanet 88919, MedGen C4746745, MONDO:0008762, OMIM 203780.

Allele frequency attached by ClinVar (database versions not stated): TOPMed below 0.00001; gnomAD 0.00001; ExAC 0.00002; 1000 Genomes Project 30x 0.00016; 1000 Genomes Project 0.00020.
gnomAD v4.1: 37 of 1,611,918 alleles (0.0023%); highest among the groups gnomAD compares: East Asian, 0.083%; no homozygotes.

Submissions (4):

Natera, Inc.
Classification: Likely pathogenic for Alport syndrome. Last evaluated: 2025-09-02. Review status: criteria provided, single submitter. Criteria: Natera Variant Classification Schema (03/2026). Collection method: clinical testing. Allele origin: germline.
Comment: The c.827G>C variant in COL4A4 is a missense variant predicted to cause substitution of glycine to alanine at amino acid 276. This variant is rare in the general population with a frequency below the threshold expected for the associated phenotype(s). This variant has been observed in affected individual(s) with monoallelic occurrence (heterozygous/hemizygous) (PMID: 28704582, 28509291, 36292665). This variant is located in a functionally critical region of the protein. Computational prediction algorithms indicate this variant is likely to affect gene or protein function. Given the available evidence, this variant is classified as Likely Pathogenic.

Women's Health and Genetics/Laboratory Corporation of America, LabCorp
Classification: Pathogenic for Autosomal recessive Alport syndrome. Last evaluated: 2025-04-09. Review status: criteria provided, single submitter. Criteria: LabCorp Variant Classification Summary - May 2015. Collection method: clinical testing. Allele origin: germline.
Comment: Variant summary: COL4A4 c.827G>C (p.Gly276Ala) results in a non-conservative amino acid change in the encoded protein sequence. Five of five in-silico tools predict a damaging effect of the variant on protein function. The variant allele was found at a frequency of 1.6e-05 in 248926 control chromosomes (gnomAD). c.827G>C has been reported in the literature in multiple individuals affected with thin basement membrane nephropathy and Alport syndrome (Ishimori_2013, Imafuku_2017, Hirabayashi_2022, Uedono_2024). These data indicate that the variant is very likely to be associated with disease. To our knowledge, no experimental evidence demonstrating an impact on protein function has been reported. The following publications have been ascertained in the context of this evaluation (PMID: 36013122, 36292665, 28704582, 28509291, 38179179). ClinVar contains an entry for this variant (Variation ID: 2720168). Based on the evidence outlined above, the variant was classified as pathogenic.

Labcorp Genetics (formerly Invitae), Labcorp
Classification: Pathogenic. Last evaluated: 2023-12-12. Review status: criteria provided, single submitter. Criteria: Invitae Variant Classification Sherloc (09022015). Collection method: clinical testing. Allele origin: germline.
Comment: This sequence change replaces glycine, which is neutral and non-polar, with alanine, which is neutral and non-polar, at codon 276 of the COL4A4 protein (p.Gly276Ala). This variant is present in population databases (rs202242354, gnomAD 0.02%). This missense change has been observed in individuals with Alport syndrome (PMID: 28704582, 36292665). Advanced modeling of protein sequence and biophysical properties (such as structural, functional, and spatial information, amino acid conservation, physicochemical variation, residue mobility, and thermodynamic stability) performed at Invitae indicates that this missense variant is expected to disrupt COL4A4 protein function with a positive predictive value of 95%. For these reasons, this variant has been classified as Pathogenic.

3billion
Classification: Uncertain significance for Autosomal recessive Alport syndrome. Last evaluated: 2024-12-20. Review status: flagged submission. Criteria: ACMG Guidelines, 2015. Collection method: clinical testing. Allele origin: germline. Affected: yes. Not counted in ClinVar's aggregate classification.
Comment: The variant is observed at an extremely low frequency in the gnomAD v4.1.0 dataset (total allele frequency: 0.002%). Predicted Consequence/Location: Missense variant In silico tool predictions suggest damaging effect of the variant on gene or gene product [REVEL: 0.76 (>=0.6, sensitivity 0.68 and specificity 0.92); 3Cnet: 0.98 (>=0.6, sensitivity 0.72 and precision 0.9)]. The same nucleotide change resulting in the same amino acid change has been previously reported to be associated with COL4A4-related disorder (ClinVar ID: VCV002720168 /PMID: 28704582). Therefore, this variant is classified as VUS according to the recommendation of ACMG/AMP guideline.
ClinVar note: Reason: Outlier claim with insufficient supporting evidence

Literature cited by the submitters: PubMed 28704582 (cited by 4 submitters); PubMed 28509291 (cited by Natera, Inc. and Women's Health and Genetics/Laboratory Corporation of America, LabCorp); PubMed 36292665 (cited by 3 submitters); PubMed 36013122 (cited by Women's Health and Genetics/Laboratory Corporation of America, LabCorp); PubMed 38179179 (cited by Women's Health and Genetics/Laboratory Corporation of America, LabCorp).